The following is an entry in ClinVar:

ClinVar aggregate classification (germline): Likely benign (1 of 4 stars; one submission).

Allele frequency attached by ClinVar (database versions not stated): gnomAD exomes below 0.00001.
gnomAD v4.1: 1 of 1,601,600 alleles (0.000062%); highest among the groups gnomAD compares: Non-Finnish European, 0.000085%; no homozygotes.

Submission:

GeneDx
Classification: Likely benign. Last evaluated: 2016-06-07. Review status: criteria provided, single submitter. Criteria: GeneDx Variant Classification (06012015). Collection method: clinical testing. Allele origin: germline. Affected: yes.
Comment: This variant is considered likely benign or benign based on one or more of the following criteria: it is a conservative change, it occurs at a poorly conserved position in the protein, it is predicted to be benign by multiple in silico algorithms, and/or has population frequency not consistent with disease.

NM_201384.3(PLEC):c.7944C>T (p.Gly2648=)

Gene: PLEC (plectin; minus strand). Cytogenetic location: 8q24.3.
Variant type: single nucleotide variant.
Coding change: c.7944C>T on transcript NM_201384.3 (MANE Select); coding-DNA position 7944, C replaced by T.
Protein change: p.Gly2648=; no amino-acid change (glycine 2648 retained).
Molecular consequence: synonymous variant.
Genome position (GRCh38, 1-based): chr8:143,921,877, G>A on the plus strand (C>T on the coding strand, the complement: PLEC is on the minus strand). VCF-style: chr8-143921877-G-A. GRCh37 (hg19) VCF-style: chr8-144996045-G-A.
Other names: c.8025C>T, p.Gly2675= (NM_000445.5); c.7902C>T, p.Gly2634= (NM_201378.4); c.7878C>T, p.Gly2626= (NM_201379.3); c.8355C>T, p.Gly2785= (NM_201380.4); c.7848C>T, p.Gly2616= (NM_201381.3); c.7944C>T, p.Gly2648= (NM_201382.4); c.7956C>T, p.Gly2652= (NM_201383.3).
Identifiers: ClinVar variation 386461 (VCV000386461.1), dbSNP rs1057522505, ClinGen allele CA16605338.